The following is an entry in ClinVar:

NM_004385.5(VCAN):c.9104C>T (p.Ala3035Val)

Genes: VCAN (versican; plus strand), VCAN-AS1 (VCAN antisense RNA 1; minus strand). Cytogenetic location: 5q14.3.
Variant type: single nucleotide variant.
Coding change: c.9104C>T on transcript NM_004385.5 (MANE Select); coding-DNA position 9104, C replaced by T.
Protein change: p.Ala3035Val; replaces alanine 3035 with valine.
Molecular consequence: missense variant. On other transcripts: intron variant (2).
Genome position (GRCh38, 1-based): chr5:83,542,107, C>T. VCF-style: chr5-83542107-C-T. GRCh37 (hg19) VCF-style: chr5-82837926-C-T.
Other names: c.6143C>T, p.Ala2048Val (NM_001164097.2); c.4004-3430C>T (NM_001164098.2); c.1043-3430C>T (NM_001126336.3); short protein forms A3035V, A2048V.
Identifiers: ClinVar variation 198800 (VCV000198800.21), dbSNP rs111512368, ClinGen allele CA203616.
Genomic context (GRCh38, chr5:83,542,107, plus strand): 5'-AAGCAGCTTTAATCAGAGGGCAGGATTCCACGATAGCAGCATCAGAACAGCAAGTGGCAG[C>T]GAGAATTCTTGATTCCAATGATCAGGCAACAGTAAACCCTGTGGAATTTAATACTGAGGT-3'
Protein context (NP_004376.2, residues 3025-3045): TIAASEQQVA[Ala3035Val]RILDSNDQAT

ClinVar aggregate classification (germline): Benign. Review status: criteria provided, multiple submitters, no conflicts (2 of 4 stars). 5 submissions from 4 submitters: Benign (5). Last evaluated 2026-01-21.

Conditions:
Wagner disease. Also called: HYALOIDEORETINAL DEGENERATION OF WAGNER; WAGNER SYNDROME 1; Wagner syndrome; WAGNER VITREORETINOPATHY; Wagner Vitreoretinal Degeneration (Wagner Synrdome); WAGNER VITREORETINAL DEGENERATION. Identifiers: Orphanet 898, MedGen C1840452, MONDO:0007740, OMIM 143200.
Vitreoretinopathy. Also called: Vitreoretinal degeneration. Identifiers: MedGen C0344290, MONDO:0020248, HP:0007773.

Allele frequency attached by ClinVar (database versions not stated): gnomAD exomes 0.00225; ExAC 0.00277; gnomAD 0.00891 and 0.00955; 1000 Genomes Project 0.00998; TOPMed 0.01041; 1000 Genomes Project 30x 0.01062; ESP Exome Variant Server 0.01092.
gnomAD v4.1: 2,706 of 1,614,026 alleles (0.17%); highest among the groups gnomAD compares: African/African-American, 3.1%; 39 homozygotes.

Submissions (6):

Labcorp Genetics (formerly Invitae), Labcorp
Classification: Benign. Last evaluated: 2026-01-21. Review status: criteria provided, single submitter. Criteria: Invitae Variant Classification Sherloc (09022015). Collection method: clinical testing. Allele origin: germline.

Illumina Laboratory Services, Illumina
Classification: Benign for Vitreoretinopathy. Last evaluated: 2018-01-13. Review status: criteria provided, single submitter. Criteria: ICSL Variant Classification Criteria 13 December 2019. Collection method: clinical testing. Allele origin: germline.
Comment: This variant was observed in the ICSL laboratory as part of a predisposition screen in an ostensibly healthy population. It had not been previously curated by ICSL or reported in the Human Gene Mutation Database (HGMD: prior to June 1st, 2018), and was therefore a candidate for classification through an automated scoring system. Utilizing variant allele frequency, disease prevalence and penetrance estimates, and inheritance mode, an automated score was calculated to assess if this variant is too frequent to cause the disease. Based on the score and internal cut-off values, a variant classified as benign is not then subjected to further curation. The score for this variant resulted in a classification of benign for this disease.

Illumina Laboratory Services, Illumina
Classification: Benign for Wagner disease. Last evaluated: 2018-01-13. Review status: criteria provided, single submitter. Criteria: ICSL Variant Classification Criteria 13 December 2019. Collection method: clinical testing. Allele origin: germline.
Comment: the same text as in the submission from Illumina Laboratory Services, Illumina above.

Eurofins Ntd Llc (ga)
Classification: Benign. Last evaluated: 2014-06-20. Review status: criteria provided, single submitter. Criteria: EGL Classification Definitions 2015. Collection method: clinical testing. Allele origin: germline. Observed: 1 variant allele, 1 heterozygote.

PreventionGenetics, part of Exact Sciences
Classification: Benign. Review status: criteria provided, single submitter. Criteria: ACMG Guidelines, 2015. Collection method: clinical testing. Allele origin: germline.

Dr. Peter K. Rogan Lab, Western University
No classification provided (evidence only). Condition: Uterine corpus endometrial carcinoma. Review status: no classification provided. Collection method: in vitro. Allele origin: not applicable. Functional consequence: retained intron. Not counted in ClinVar's aggregate classification.